The following is an entry in ClinVar:

ClinVar aggregate classification (germline): Benign. Review status: criteria provided, multiple submitters, no conflicts (2 of 4 stars). 6 submissions from 5 submitters: Benign (5). 1 of the submissions does not count toward it. Last evaluated 2026-02-01.

Conditions:
Mesoaxial synostotic syndactyly with phalangeal reduction. Identifiers: Orphanet 157801, MedGen C1836206, MONDO:0012271, OMIM 609432.
BHLHA9-related disorder. Also called: BHLHA9-related condition.
Camptosynpolydactyly, complex (CCSPD). Also called: CAMPTOPOLYDACTYLY, DISORGANIZATION TYPE. Identifiers: MedGen C1843758, MONDO:0011853, OMIM 607539.

Allele frequency attached by ClinVar (database versions not stated): 1000 Genomes Project 0.37460; gnomAD 0.33804 and 0.33504; 1000 Genomes Project 30x 0.37773; gnomAD exomes 0.24463 and 0.28607; ExAC 0.26467; TOPMed 0.35214.

Submissions (6):

Labcorp Genetics (formerly Invitae), Labcorp
Classification: Benign. Last evaluated: 2026-02-01. Review status: criteria provided, single submitter. Criteria: Invitae Variant Classification Sherloc (09022015). Collection method: clinical testing. Allele origin: germline.

Genome-Nilou Lab
Classification: Benign for Camptosynpolydactyly, complex. Last evaluated: 2021-07-14. Review status: criteria provided, single submitter. Criteria: ACMG Guidelines, 2015. Collection method: clinical testing. Allele origin: germline. Affected: no.

Genome-Nilou Lab
Classification: Benign for Mesoaxial synostotic syndactyly with phalangeal reduction. Last evaluated: 2021-07-14. Review status: criteria provided, single submitter. Criteria: ACMG Guidelines, 2015. Collection method: clinical testing. Allele origin: germline. Affected: no.

GeneDx
Classification: Benign. Last evaluated: 2018-11-10. Review status: criteria provided, single submitter. Criteria: GeneDx Variant Classification Process June 2021. Collection method: clinical testing. Allele origin: germline. Affected: yes.

Breakthrough Genomics
Classification: Benign. Review status: criteria provided, single submitter. Criteria: ACMG Guidelines, 2015. Collection method: not provided. Allele origin: germline. Inheritance: Autosomal recessive inheritance. Affected: yes.

PreventionGenetics, part of Exact Sciences
Classification: Benign for BHLHA9-related condition. Last evaluated: 2021-02-26. Review status: no assertion criteria provided. Collection method: clinical testing. Allele origin: germline. Not counted in ClinVar's aggregate classification.
Comment: This variant is classified as benign based on ACMG/AMP sequence variant interpretation guidelines (Richards et al. 2015 PMID: 25741868, with internal and published modifications).

NM_001164405.2(BHLHA9):c.237A>G (p.Leu79=)

Gene: BHLHA9 (basic helix-loop-helix family member a9; plus strand). Cytogenetic location: 17p13.3.
Variant type: single nucleotide variant.
Coding change: c.237A>G on transcript NM_001164405.2 (MANE Select); coding-DNA position 237, A replaced by G.
Protein change: p.Leu79=; no amino-acid change (leucine 79 retained).
Molecular consequence: synonymous variant.
Genome position (GRCh38, 1-based): chr17:1,270,800, A>G. VCF-style: chr17-1270800-A-G. GRCh37 (hg19) VCF-style: chr17-1174094-A-G.
Identifiers: ClinVar variation 1185322 (VCV001185322.17), dbSNP rs3951819, ClinGen allele CA8265804.